The following is an entry in ClinVar:

ClinVar aggregate classification (germline): Uncertain significance (1 of 4 stars; one submission).

Conditions:
Inborn genetic diseases. Identifiers: MedGen C0950123, MeSH D030342.

Allele frequency attached by ClinVar (database versions not stated): ESP Exome Variant Server 0.00008.

Submission:

Ambry Genetics
Classification: Uncertain significance for Inborn genetic diseases. Last evaluated: 2022-06-28. Review status: criteria provided, single submitter. Criteria: Ambry Variant Classification Scheme 2023. Collection method: clinical testing. Allele origin: germline.
Comment: The p.G79V variant (also known as c.236G>T) is located in coding exon 3 of the MDH2 gene. The glycine at codon 79 is replaced by valine, an amino acid with dissimilar properties. This change occurs in the first base pair of coding exon 3. This amino acid position is conserved. In addition, the in silico prediction for this alteration is inconclusive. Since supporting evidence is limited at this time, the clinical significance of this alteration remains unclear.

NM_005918.4(MDH2):c.236G>T (p.Gly79Val)

Gene: MDH2 (malate dehydrogenase 2; plus strand). Cytogenetic location: 7q11.23.
Variant type: single nucleotide variant.
Coding change: c.236G>T on transcript NM_005918.4 (MANE Select); coding-DNA position 236, G replaced by T.
Protein change: p.Gly79Val; replaces glycine 79 with valine.
Molecular consequence: missense variant. On other transcripts: 5 prime UTR variant (1).
Genome position (GRCh38, 1-based): chr7:76,057,410, G>T. VCF-style: chr7-76057410-G-T. GRCh37 (hg19) VCF-style: chr7-75686728-G-T.
Other names: c.236G>T, p.Gly79Val (NM_001282403.2); c.-86G>T (NM_001282404.2); short protein forms G79V.
Identifiers: ClinVar variation 1790277 (VCV001790277.2), dbSNP rs376822516, ClinGen allele CA160908657.
Genomic context (GRCh38, chr7:76,057,410, plus strand): 5'-CTTTCCAGGCCTCTCTGAATCAGAAACGGTGACATTTCTCTTGTGGGGTGTTTGTTCTAG[G>T]CTACCTCGGACCTGAACAGCTGCCTGACTGCCTGAAAGGTTGTGATGTGGTAGTTATTCC-3'
Protein context (NP_005909.2, residues 69-89): SHIETKAAVK[Gly79Val]YLGPEQLPDC